The following is an entry in ClinVar:

NM_002907.4(RECQL):c.1583G>A (p.Arg528Lys)

Gene: RECQL (RecQ like helicase; minus strand). Cytogenetic location: 12p12.1.
Variant type: single nucleotide variant.
Coding change: c.1583G>A on transcript NM_002907.4 (MANE Select); coding-DNA position 1583, G replaced by A.
Protein change: p.Arg528Lys; replaces arginine 528 with lysine.
Molecular consequence: missense variant.
Genome position (GRCh38, 1-based): chr12:21,471,512, C>T on the plus strand (G>A on the coding strand, the complement: RECQL is on the minus strand). VCF-style: chr12-21471512-C-T. GRCh37 (hg19) VCF-style: chr12-21624446-C-T.
Other names: c.1583G>A, p.Arg528Lys (NM_032941.3); short protein forms R528K.
Identifiers: ClinVar variation 4152320 (VCV004152320.1).

ClinVar aggregate classification (germline): Uncertain significance (1 of 4 stars; one submission).

Submission:

Ambry Genetics
Classification: Uncertain significance. Last evaluated: 2025-08-15. Review status: criteria provided, single submitter. Criteria: Ambry Variant Classification Scheme 2023. Collection method: clinical testing. Allele origin: germline.
Comment: The p.R528K variant (also known as c.1583G>A), located in coding exon 12 of the RECQL gene, results from a G to A substitution at nucleotide position 1583. The arginine at codon 528 is replaced by lysine, an amino acid with highly similar properties. This amino acid position is conserved. In addition, this alteration is predicted to be tolerated by in silico analysis. Based on the available evidence, the clinical significance of this variant remains unclear.